The following is an entry in ClinVar:

NM_000441.2(SLC26A4):c.2184_2187del (p.Leu729fs)

Genes: SLC26A4 (solute carrier family 26 member 4; plus strand), LOC123956210 (Sharpr-MPRA regulatory region 3291; plus strand). Cytogenetic location: 7q22.3.
Variant type: Microsatellite.
Coding change: c.2184_2187del on transcript NM_000441.2 (MANE Select); coding-DNA positions 2184 to 2187, 4 bases deleted (TCTA; older notation c.2184_2187delTCTA).
Protein change: p.Leu729fs; shifts the reading frame from leucine 729.
Molecular consequence: frameshift variant.
Genome position (GRCh38, 1-based): chr7:107,710,148-107,710,151, TCTA deleted; deleting any 4 consecutive bases within chr7:107,710,144-107,710,151 gives the same sequence; the c. name uses the placement nearest the transcript's 3' end. VCF-style (leftmost placement, unchanged base first): chr7-107710143-CTCTA-C. GRCh37 (hg19) VCF-style: chr7-107350588-CTCTA-C.
Other names: short protein forms L729fs.
Identifiers: ClinVar variation 1726623 (VCV001726623.2), dbSNP rs1792142540, ClinGen allele CA2580617075.
Genomic context (GRCh38, chr7:107,710,143, plus strand): 5'-GGGTTCTTTGACGACAACATTAGAAAGGACACATTCTTTTTGACGGTCCATGATGCTATA[CTCTA>C]TCTACAGAACCAAGTGAAATCTCAAGAGGGTCAAGGTTCCATTTTAGAAACGGTAAATAT-3'

ClinVar aggregate classification (germline): Likely pathogenic (1 of 4 stars; one submission).

Conditions:
Pendred syndrome (PDS). Also called: THYROID DYSHORMONOGENESIS 2B; THYROID HORMONOGENESIS, GENETIC DEFECT IN, 2B; DEAFNESS WITH GOITER; GOITER-DEAFNESS SYNDROME; HYPOTHYROIDISM, CONGENITAL, DUE TO DYSHORMONOGENESIS, 2B; Pendred's syndrome. Identifiers: Orphanet 705, MedGen C0271829, MONDO:0010134, OMIM 274600.

Submission:

Myriad Genetics, Inc.
Classification: Likely pathogenic for Pendred syndrome. Last evaluated: 2021-12-29. Review status: criteria provided, single submitter. Criteria: Myriad Women's Health Autosomal Recessive and X-Linked Classification Criteria (2021). Collection method: clinical testing. Allele origin: unknown.
Comment: NM_000441.1(SLC26A4):c.2184_2187delTCTA(L729Rfs*4) is expected to be pathogenic in the context of Pendred syndrome. This variant is predicted to lead to an abnormal or absent protein product due to the creation of a premature termination codon in SLC26A4, a gene where loss-of-function variants are known to be pathogenic. Please note: this variant was assessed in the context of healthy population screening.